The following is an entry in ClinVar:

NM_001371623.1(TCOF1):c.1379G>T (p.Gly460Val)

Gene: TCOF1 (treacle ribosome biogenesis factor 1; plus strand). Cytogenetic location: 5q32.
Variant type: single nucleotide variant.
Coding change: c.1379G>T on transcript NM_001371623.1 (MANE Select); coding-DNA position 1379, G replaced by T.
Protein change: p.Gly460Val; replaces glycine 460 with valine.
Molecular consequence: missense variant.
Genome position (GRCh38, 1-based): chr5:150,375,054, G>T. VCF-style: chr5-150375054-G-T. GRCh37 (hg19) VCF-style: chr5-149754617-G-T.
Other names: c.1148G>T, p.Gly383Val (NM_000356.4, NM_001135245.2); c.1379G>T, p.Gly460Val (NM_001008657.3, NM_001135243.2, NM_001135244.2 and 1 more transcripts); short protein forms G383V, G460V.
Identifiers: ClinVar variation 575090 (VCV000575090.11), dbSNP rs369804013, ClinGen allele CA3510847.

ClinVar aggregate classification (germline): Uncertain significance. Review status: criteria provided, multiple submitters, no conflicts (2 of 4 stars). 3 submissions from 3 submitters: Uncertain significance (3). Last evaluated 2025-11-16.

Conditions:
Inborn genetic diseases. Identifiers: MedGen C0950123, MeSH D030342.
Treacher Collins syndrome 1 (TCS1). Also called: TCOF1-Related Treacher Collins Syndrome. Identifiers: Orphanet 861, MedGen CN315775, MONDO:0007944, OMIM 154500.

Allele frequency attached by ClinVar (database versions not stated): TOPMed 0.00001; ESP Exome Variant Server 0.00008; 1000 Genomes Project 30x 0.00016; gnomAD 0.00002 and 0.00003; ExAC 0.00003; gnomAD exomes 0.00004 and 0.00007; 1000 Genomes Project 0.00020.
gnomAD v4.1: 104 of 1,614,122 alleles (0.0064%); highest among the groups gnomAD compares: Admixed American, 0.0083%; no homozygotes.

Submissions (3):

Labcorp Genetics (formerly Invitae), Labcorp
Classification: Uncertain significance for Treacher Collins syndrome 1. Last evaluated: 2025-11-16. Review status: criteria provided, single submitter. Criteria: Invitae Variant Classification Sherloc (09022015). Collection method: clinical testing. Allele origin: germline.
Comment: This sequence change replaces glycine, which is neutral and non-polar, with valine, which is neutral and non-polar, at codon 460 of the TCOF1 protein (p.Gly460Val). This variant is present in population databases (rs369804013, gnomAD 0.007%). This variant has not been reported in the literature in individuals affected with TCOF1-related conditions. ClinVar contains an entry for this variant (Variation ID: 575090). Invitae Evidence Modeling of protein sequence and biophysical properties (such as structural, functional, and spatial information, amino acid conservation, physicochemical variation, residue mobility, and thermodynamic stability) indicates that this missense variant is not expected to disrupt TCOF1 protein function with a negative predictive value of 80%. In summary, the available evidence is currently insufficient to determine the role of this variant in disease. Therefore, it has been classified as a Variant of Uncertain Significance.

Ambry Genetics
Classification: Uncertain significance for Inborn genetic diseases. Last evaluated: 2024-01-23. Review status: criteria provided, single submitter. Criteria: Ambry Variant Classification Scheme 2023. Collection method: clinical testing. Allele origin: germline.

GeneDx
Classification: Uncertain significance. Last evaluated: 2023-07-14. Review status: criteria provided, single submitter. Criteria: GeneDx Variant Classification Process June 2021. Collection method: clinical testing. Allele origin: germline. Affected: yes.
Comment: In silico analysis supports that this missense variant has a deleterious effect on protein structure/function; Has not been previously published as pathogenic or benign to our knowledge